The following is an entry in ClinVar:

NM_024649.5(BBS1):c.1781G>A (p.Ter594=)

Genes: BBS1 (Bardet-Biedl syndrome 1; plus strand), ZDHHC24 (zDHHC palmitoyltransferase 24; minus strand). Cytogenetic location: 11q13.2.
Variant type: single nucleotide variant.
Coding change: c.1781G>A on transcript NM_024649.5 (MANE Select); coding-DNA position 1781, G replaced by A.
Protein change: p.Ter594=.
Molecular consequence: synonymous variant. On other transcripts: intron variant (1).
Genome position (GRCh38, 1-based): chr11:66,532,036, G>A. VCF-style: chr11-66532036-G-A. GRCh37 (hg19) VCF-style: chr11-66299507-G-A.
Other names: c.560-2548C>T (NM_001348571.2).
Identifiers: ClinVar variation 1593507 (VCV001593507.9), dbSNP rs1475796233, ClinGen allele CA475342492.

ClinVar aggregate classification (germline): Likely benign. Review status: criteria provided, multiple submitters, no conflicts (2 of 4 stars). 2 submissions from 2 submitters: Likely benign (2). Last evaluated 2025-04-05.

Conditions:
BBS1-related disorder. Also called: BBS1-related condition.
Bardet-Biedl syndrome (BBS). Identifiers: Orphanet 110, MedGen C0752166, MONDO:0015229.

Allele frequency attached by ClinVar (database versions not stated): gnomAD exomes below 0.00001.
gnomAD v4.1: 6 of 1,602,226 alleles (0.00037%); highest among the groups gnomAD compares: Non-Finnish European, 0.00051%; no homozygotes.

Submissions (2):

PreventionGenetics, part of Exact Sciences
Classification: Likely benign for BBS1-related condition. Last evaluated: 2025-04-05. Review status: criteria provided, single submitter. Criteria: ACMG Guidelines, 2015. Collection method: clinical testing. Allele origin: germline.
Comment: This variant is classified as likely benign based on ACMG/AMP sequence variant interpretation guidelines (Richards et al. 2015 PMID: 25741868, with internal and published modifications).

Labcorp Genetics (formerly Invitae), Labcorp
Classification: Likely benign for Bardet-Biedl syndrome. Last evaluated: 2023-07-15. Review status: criteria provided, single submitter. Criteria: Invitae Variant Classification Sherloc (09022015). Collection method: clinical testing. Allele origin: germline.